The following is an entry in ClinVar:

NM_003638.3(ITGA8):c.1232C>T (p.Ala411Val)

Gene: ITGA8 (integrin subunit alpha 8; minus strand). Cytogenetic location: 10p13.
Variant type: single nucleotide variant.
Coding change: c.1232C>T on transcript NM_003638.3 (MANE Select); coding-DNA position 1232, C replaced by T.
Protein change: p.Ala411Val; replaces alanine 411 with valine.
Molecular consequence: missense variant.
Genome position (GRCh38, 1-based): chr10:15,644,197, G>A on the plus strand (C>T on the coding strand, the complement: ITGA8 is on the minus strand). VCF-style: chr10-15644197-G-A. GRCh37 (hg19) VCF-style: chr10-15686196-G-A.
Other names: c.1187C>T, p.Ala396Val (NM_001291494.2); short protein forms A396V, A411V.
Identifiers: ClinVar variation 4882517 (VCV004882517.2).

ClinVar aggregate classification (germline): Uncertain significance (1 of 4 stars; one submission).

gnomAD v4.1: 1 of 1,613,350 alleles (0.000062%); highest among the groups gnomAD compares: African/African-American, 0.0013%; no homozygotes.

Submission:

Dasa
Classification: Uncertain significance. Last evaluated: 2025-06-02. Review status: criteria provided, single submitter. Criteria: DASA Assertion Criteria. Collection method: clinical testing. Allele origin: germline.
Comment: NM_003638.3(ITGA8):c.1232C>T (p.Ala411Val) is a missense variant that results in the substitution of alanine with valine. This variant is rare in population databases. Computational prediction algorithms are consistent with a benign effect. The currently available literature and clinical evidence are not sufficient to establish a definitive association between this variant and the reported condition. Therefore, this variant is classified as a variant of uncertain significance.